The following is an entry in ClinVar:

ClinVar aggregate classification (germline): Uncertain significance (1 of 4 stars; one submission).

Conditions:
Familial focal epilepsy with variable foci (FPEVF). Identifiers: Orphanet 98820, MedGen C1858477, MONDO:0020310.

gnomAD v4.1: 1 of 1,614,040 alleles (0.000062%); highest among the groups gnomAD compares: Non-Finnish European, 0.000085%; no homozygotes.

Submission:

Labcorp Genetics (formerly Invitae), Labcorp
Classification: Uncertain significance for Familial focal epilepsy with variable foci. Last evaluated: 2021-12-02. Review status: criteria provided, single submitter. Criteria: Invitae Variant Classification Sherloc (09022015). Collection method: clinical testing. Allele origin: germline.
Comment: In summary, the available evidence is currently insufficient to determine the role of this variant in disease. Therefore, it has been classified as a Variant of Uncertain Significance. Algorithms developed to predict the effect of missense changes on protein structure and function are either unavailable or do not agree on the potential impact of this missense change (SIFT: "Deleterious"; PolyPhen-2: "Not Available"; Align-GVGD: "Class C15"). This variant has not been reported in the literature in individuals affected with DEPDC5-related conditions. This variant is not present in population databases (gnomAD no frequency). This sequence change replaces valine, which is neutral and non-polar, with methionine, which is neutral and non-polar, at codon 283 of the DEPDC5 protein (p.Val283Met).

NM_001242896.3(DEPDC5):c.847G>A (p.Val283Met)

Gene: DEPDC5 (DEP domain containing 5, GATOR1 subcomplex subunit; plus strand). Cytogenetic location: 22q12.2.
Variant type: single nucleotide variant.
Coding change: c.847G>A on transcript NM_001242896.3 (MANE Select); coding-DNA position 847, G replaced by A.
Protein change: p.Val283Met; replaces valine 283 with methionine.
Molecular consequence: missense variant. On other transcripts: non-coding transcript variant (5).
Genome position (GRCh38, 1-based): chr22:31,797,679, G>A. VCF-style: chr22-31797679-G-A. GRCh37 (hg19) VCF-style: chr22-32193665-G-A.
Other names: c.847G>A, p.Val283Met (NM_001364320.2, NM_001369903.1, NM_014662.6 and 7 more transcripts); c.763G>A, p.Val255Met (NM_001369901.1, NM_001369902.1); short protein forms V255M, V283M.
Identifiers: ClinVar variation 1425266 (VCV001425266.8), dbSNP rs1569523754, ClinGen allele CA411290674.